The following is an entry in ClinVar:

ClinVar aggregate classification (germline): Likely pathogenic (1 of 4 stars; one submission).

Allele frequency attached by ClinVar (database versions not stated): TOPMed below 0.00001.
gnomAD v4.1: 2 of 1,602,686 alleles (0.00012%); highest among the groups gnomAD compares: Non-Finnish European, 0.00017%; no homozygotes.

Submission:

Labcorp Genetics (formerly Invitae), Labcorp
Classification: Likely pathogenic. Last evaluated: 2023-11-28. Review status: criteria provided, single submitter. Criteria: Invitae Variant Classification Sherloc (09022015). Collection method: clinical testing. Allele origin: germline.
Comment: This sequence change affects an acceptor splice site in intron 19 of the OTOF gene. It is expected to disrupt RNA splicing. Variants that disrupt the donor or acceptor splice site typically lead to a loss of protein function (PMID: 16199547), and loss-of-function variants in OTOF are known to be pathogenic (PMID: 18381613, 19250381, 22575033). This variant is present in population databases (no rsID available, gnomAD 0.001%). This variant has not been reported in the literature in individuals affected with OTOF-related conditions. Algorithms developed to predict the effect of sequence changes on RNA splicing suggest that this variant may disrupt the consensus splice site. In summary, the currently available evidence indicates that the variant is pathogenic, but additional data are needed to prove that conclusively. Therefore, this variant has been classified as Likely Pathogenic.

Literature cited by the submitters: PubMed 16199547; PubMed 18381613; PubMed 19250381; PubMed 22575033.

NM_194248.3(OTOF):c.2316-1G>A

Gene: OTOF (otoferlin; minus strand). Cytogenetic location: 2p23.3.
Variant type: single nucleotide variant.
Coding change: c.2316-1G>A on transcript NM_194248.3 (MANE Select); the canonical splice acceptor site of the intron before coding-DNA position 2316, G replaced by A.
Molecular consequence: splice acceptor variant.
Genome position (GRCh38, 1-based): chr2:26,477,507, C>T on the plus strand (G>A on the coding strand, the complement: OTOF is on the minus strand). VCF-style: chr2-26477507-C-T. GRCh37 (hg19) VCF-style: chr2-26700375-C-T.
Other names: c.2316-1G>A (NM_001287489.2); c.75-1G>A (NM_194323.3, NM_004802.4); c.246-1G>A (NM_194322.3).
Identifiers: ClinVar variation 2804649 (VCV002804649.3), dbSNP rs1332434505, ClinGen allele CA346123423.